The following is an entry in ClinVar:

ClinVar aggregate classification (germline): Uncertain significance. Review status: criteria provided, multiple submitters, no conflicts (2 of 4 stars). 2 submissions from 2 submitters: Uncertain significance (2). Last evaluated 2022-09-01.

Conditions:
Epidermolysis bullosa simplex, Ogna type (EBS5A). Also called: Pidermolysis bullosa simplex 5A, Ogna type; EPIDERMOLYSIS BULLOSA SIMPLEX 5A, OGNA TYPE. Identifiers: Orphanet 79401, MedGen C0432317, MONDO:0007555, OMIM 131950.
Epidermolysis bullosa simplex with nail dystrophy (EBS5D). Identifiers: MedGen C4225309, MONDO:0014661, OMIM 616487.
Epidermolysis bullosa simplex 5B, with muscular dystrophy (EBS5B). Also called: Epidermolysis bullosa simplex with muscular dystrophy; EPIDERMOLYSIS BULLOSA SIMPLEX AND LIMB-GIRDLE MUSCULAR DYSTROPHY. Identifiers: Orphanet 257, MedGen C2931072, MONDO:0009181, OMIM 226670.
Epidermolysis bullosa simplex 5C, with pyloric atresia (EBS5C). Also called: PLEC-Related Epidermolysis Bullosa with Pyloric Atresia; Epidermolysis bullosa simplex with pyloric atresia; PLEC1-Related Epidermolysis Bullosa with Pyloric Atresia. Identifiers: Orphanet 158684, MedGen C2677349, MONDO:0012807, OMIM 612138.
Autosomal recessive limb-girdle muscular dystrophy type 2Q (LGMDR17). Also called: MUSCULAR DYSTROPHY, LIMB-GIRDLE, AUTOSOMAL RECESSIVE 17. Identifiers: Orphanet 254361, MedGen C3150989, MONDO:0013390, OMIM 613723.

Submissions (2):

CeGaT Center for Human Genetics Tuebingen
Classification: Uncertain significance. Last evaluated: 2022-09-01. Review status: criteria provided, single submitter. Criteria: CeGaT Center For Human Genetics Tuebingen Variant Classification Criteria Version 2. Collection method: clinical testing. Allele origin: germline. Affected: yes. Observed: 1 variant allele.
Comment: PLEC: PM2, BP4

Labcorp Genetics (formerly Invitae), Labcorp
Classification: Uncertain significance for Autosomal recessive limb-girdle muscular dystrophy type 2Q; Epidermolysis bullosa simplex, Ogna type; Epidermolysis bullosa simplex with nail dystrophy; Epidermolysis bullosa simplex 5C, with pyloric atresia; Epidermolysis bullosa simplex 5B, with muscular dystrophy. Last evaluated: 2022-01-01. Review status: criteria provided, single submitter. Criteria: Invitae Variant Classification Sherloc (09022015). Collection method: clinical testing. Allele origin: germline.
Comment: In summary, the available evidence is currently insufficient to determine the role of this variant in disease. Therefore, it has been classified as a Variant of Uncertain Significance. Algorithms developed to predict the effect of missense changes on protein structure and function are either unavailable or do not agree on the potential impact of this missense change (SIFT: "Tolerated"; PolyPhen-2: "Probably Damaging"; Align-GVGD: "Class C0"). This variant has not been reported in the literature in individuals affected with PLEC-related conditions. This variant is not present in population databases (gnomAD no frequency). This sequence change replaces aspartic acid, which is acidic and polar, with glycine, which is neutral and non-polar, at codon 3931 of the PLEC protein (p.Asp3931Gly).

NM_201384.3(PLEC):c.11711A>G (p.Asp3904Gly)

Gene: PLEC (plectin; minus strand). Cytogenetic location: 8q24.3.
Variant type: single nucleotide variant.
Coding change: c.11711A>G on transcript NM_201384.3 (MANE Select); coding-DNA position 11711, A replaced by G.
Protein change: p.Asp3904Gly; replaces aspartic acid 3904 with glycine.
Molecular consequence: missense variant.
Genome position (GRCh38, 1-based): chr8:143,918,110, T>C on the plus strand (A>G on the coding strand, the complement: PLEC is on the minus strand). VCF-style: chr8-143918110-T-C. GRCh37 (hg19) VCF-style: chr8-144992278-T-C.
Other names: c.11792A>G, p.Asp3931Gly (NM_000445.5); c.8411A>G, p.Asp2804Gly (NM_001410941.1); c.11669A>G, p.Asp3890Gly (NM_201378.4); c.11645A>G, p.Asp3882Gly (NM_201379.3); c.12122A>G, p.Asp4041Gly (NM_201380.4); c.11615A>G, p.Asp3872Gly (NM_201381.3); c.11711A>G, p.Asp3904Gly (NM_201382.4); c.11723A>G, p.Asp3908Gly (NM_201383.3); short protein forms D4041G, D2804G, D3882G, D3890G, D3908G, D3872G, D3904G, D3931G.
Identifiers: ClinVar variation 2155252 (VCV002155252.28), dbSNP rs2539288064, ClinGen allele CA372488885.